The following is an entry in ClinVar:

ClinVar aggregate classification (germline): Likely pathogenic (1 of 4 stars; one submission).

Submission:

CeGaT Center for Human Genetics Tuebingen
Classification: Likely pathogenic. Last evaluated: 2025-09-01. Review status: criteria provided, single submitter. Criteria: CeGaT Center For Human Genetics Tuebingen Variant Classification Criteria Version 2. Collection method: clinical testing. Allele origin: germline. Affected: yes. Observed: 1 variant allele.
Comment: STUB1: PS1, PM2

NM_005861.4(STUB1):c.393C>A (p.Phe131Leu)

Gene: STUB1 (STIP1 homology and U-box containing protein 1; plus strand). Cytogenetic location: 16p13.3.
Variant type: single nucleotide variant.
Coding change: c.393C>A on transcript NM_005861.4 (MANE Select); coding-DNA position 393, C replaced by A.
Protein change: p.Phe131Leu; replaces phenylalanine 131 with leucine.
Molecular consequence: missense variant.
Genome position (GRCh38, 1-based): chr16:681,472, C>A. VCF-style: chr16-681472-C-A. GRCh37 (hg19) VCF-style: chr16-731472-C-A.
Other names: c.177C>A, p.Phe59Leu (NM_001293197.2); short protein forms F131L, F59L.
Identifiers: ClinVar variation 4280814 (VCV004280814.7).
Genomic context (GRCh38, chr16:681,472, plus strand): 5'-AGTGACGTGAAGCCCCCGTTCCCCAGCTTACAGCCTGGCCAAGGAGCAGCGGCTGAACTT[C>A]GGGGACGACATCCCCAGCGCTCTTCGAATCGCGAAGAAGAAGCGCTGGAACAGCATTGAG-3'
Protein context (NP_005852.2, residues 121-141): YSLAKEQRLN[Phe131Leu]GDDIPSALRI